The following is an entry in ClinVar:

NM_001163809.2(WDR81):c.5133C>T (p.His1711=)

Gene: WDR81 (WD repeat domain 81; plus strand). Cytogenetic location: 17p13.3.
Variant type: single nucleotide variant.
Coding change: c.5133C>T on transcript NM_001163809.2 (MANE Select); coding-DNA position 5133, C replaced by T.
Protein change: p.His1711=; no amino-acid change (histidine 1711 retained).
Molecular consequence: synonymous variant.
Genome position (GRCh38, 1-based): chr17:1,734,170, C>T. VCF-style: chr17-1734170-C-T. GRCh37 (hg19) VCF-style: chr17-1637464-C-T.
Other names: c.1524C>T, p.His508= (NM_001163673.2); c.1452C>T, p.His484= (NM_001163811.2); c.1980C>T, p.His660= (NM_152348.4).
Identifiers: ClinVar variation 4083640 (VCV004083640.8).

ClinVar aggregate classification (germline): Likely benign (1 of 4 stars; one submission).

Submission:

CeGaT Center for Human Genetics Tuebingen
Classification: Likely benign. Last evaluated: 2025-07-01. Review status: criteria provided, single submitter. Criteria: CeGaT Center For Human Genetics Tuebingen Variant Classification Criteria Version 2. Collection method: clinical testing. Allele origin: germline. Affected: yes. Observed: 1 variant allele.
Comment: WDR81: BP4, BP7